The following is an entry in ClinVar:

ClinVar aggregate classification (germline): Uncertain significance (1 of 4 stars; one submission).

gnomAD v4.1: 1 of 1,613,996 alleles (0.000062%); highest among the groups gnomAD compares: Non-Finnish European, 0.000085%; no homozygotes.

Submission:

GeneDx
Classification: Uncertain significance. Last evaluated: 2024-06-17. Review status: criteria provided, single submitter. Criteria: GeneDx Variant Classification Process June 2021. Collection method: clinical testing. Allele origin: germline. Affected: yes.
Comment: Not observed at significant frequency in large population cohorts (gnomAD); In silico analysis indicates that this missense variant does not alter protein structure/function; Has not been previously published as pathogenic or benign to our knowledge

NM_000245.4(MET):c.563T>G (p.Val188Gly)

Gene: MET (MET proto-oncogene, receptor tyrosine kinase; plus strand). Cytogenetic location: 7q31.2.
Variant type: single nucleotide variant.
Coding change: c.563T>G on transcript NM_000245.4 (MANE Select); coding-DNA position 563, T replaced by G.
Protein change: p.Val188Gly; replaces valine 188 with glycine.
Molecular consequence: missense variant. On other transcripts: intron variant (1).
Genome position (GRCh38, 1-based): chr7:116,699,647, T>G. VCF-style: chr7-116699647-T-G. GRCh37 (hg19) VCF-style: chr7-116339701-T-G.
Other names: c.563T>G, p.Val188Gly (NM_001127500.3, NM_001324401.3); c.-91+27070T>G (NM_001324402.2); short protein forms V188G.
Identifiers: ClinVar variation 3391723 (VCV003391723.1).